The following is an entry in ClinVar:

NM_015896.4(ZMYND10):c.373-1G>A

Gene: ZMYND10 (zinc finger MYND-type containing 10; minus strand). Cytogenetic location: 3p21.31.
Variant type: single nucleotide variant.
Coding change: c.373-1G>A on transcript NM_015896.4 (MANE Select); the canonical splice acceptor site of the intron before coding-DNA position 373, G replaced by A.
Molecular consequence: splice acceptor variant.
Genome position (GRCh38, 1-based): chr3:50,343,445, C>T on the plus strand (G>A on the coding strand, the complement: ZMYND10 is on the minus strand). VCF-style: chr3-50343445-C-T. GRCh37 (hg19) VCF-style: chr3-50380876-C-T.
Other names: c.373-1G>A (NM_001308379.2).
Identifiers: ClinVar variation 1806284 (VCV001806284.1), dbSNP rs1278767645, ClinGen allele CA352943181.

ClinVar aggregate classification (germline): Uncertain significance (1 of 4 stars; one submission).

Conditions:
Primary ciliary dyskinesia 22. Also called: CILIARY DYSKINESIA, PRIMARY, 22, WITH OR WITHOUT SITUS INVERSUS. Identifiers: Orphanet 244, MedGen C3809543, MONDO:0014192, OMIM 615444.

Allele frequency attached by ClinVar (database versions not stated): gnomAD exomes below 0.00001; TOPMed below 0.00001; gnomAD 0.00001.
gnomAD v4.1: 2 of 1,611,968 alleles (0.00012%); highest among the groups gnomAD compares: Non-Finnish European, 0.00017%; no homozygotes.

Submission:

Victorian Clinical Genetics Services, Murdoch Childrens Research Institute
Classification: Uncertain significance for Primary ciliary dyskinesia 22. Last evaluated: 2020-05-25. Review status: criteria provided, single submitter. Criteria: ACMG Guidelines, 2015. Collection method: clinical testing. Allele origin: germline. Inheritance: Autosomal recessive inheritance. Affected: yes.
Comment: Based on the classification scheme VCGS_Germline_v1.1.1, this variant is classified as 3A-VUS. Following criteria are met: 0102 - Loss-of-function is a known mechanism of disease for this gene. (N) 0106 - This gene is known to be associated with autosomal recessive disease. (N) 0211 - Canonical splice site variant without proven consequence on splicing (no functional evidence available) (intron 4). (P) 0251 - Variant is heterozygous. (N) 0304 - Variant is present in gnomAD (v3) <0.01 for a recessive condition (1 heterozygote, 0 homozygotes). (P) 0505 - Abnormal splicing is predicted by in silico tools and affected nucleotide is highly conserved. (P) 0705 - No comparable variants have previous evidence for pathogenicity. (N) 0807 - Variant has not previously been reported in a clinical context. (N) 0905 - No segregation evidence has been identified for this variant. (N) 1007 - No published functional evidence has been identified for this variant. (N) 1208 - Inheritance information for this variant is not currently available. (N) Legend: (P) - Pathogenic, (N) - Neutral, (B) - Benign